The following is an entry in ClinVar:

NM_001288705.3(CSF1R):c.368C>G (p.Ala123Gly)

Gene: CSF1R (colony stimulating factor 1 receptor; minus strand). Cytogenetic location: 5q32.
Variant type: single nucleotide variant.
Coding change: c.368C>G on transcript NM_001288705.3 (MANE Select); coding-DNA position 368, C replaced by G.
Protein change: p.Ala123Gly; replaces alanine 123 with glycine.
Molecular consequence: missense variant. On other transcripts: 5 prime UTR variant (1), non-coding transcript variant (2).
Genome position (GRCh38, 1-based): chr5:150,080,276, G>C on the plus strand (C>G on the coding strand, the complement: CSF1R is on the minus strand). VCF-style: chr5-150080276-G-C. GRCh37 (hg19) VCF-style: chr5-149459839-G-C.
Other names: p.Ala123Gly; c.368C>G, p.Ala123Gly (NM_001349736.2, NM_001375320.1, NM_005211.4); c.-77C>G (NM_001375321.1); short protein forms A123G.
Identifiers: ClinVar variation 748366 (VCV000748366.39), dbSNP rs140924076, ClinGen allele CA3507194.

ClinVar aggregate classification (germline): Benign/Likely benign. Review status: criteria provided, multiple submitters, no conflicts (2 of 4 stars). 7 submissions from 7 submitters: Benign (1); Likely benign (3). 3 of the submissions do not count toward it. Last evaluated 2026-01-18.

Conditions:
CSF1R-related disorder. Also called: CSF1R-related condition. Identifiers: MedGen CN379780, MONDO:0100632.

Allele frequency attached by ClinVar (database versions not stated): ESP Exome Variant Server 0.00008; 1000 Genomes Project 30x 0.00031; 1000 Genomes Project 0.00040; TOPMed 0.00045.
gnomAD v4.1: 498 of 1,613,994 alleles (0.031%); highest among the groups gnomAD compares: Middle Eastern, 0.45%; 2 homozygotes.

Submissions (7):

Labcorp Genetics (formerly Invitae), Labcorp
Classification: Benign. Last evaluated: 2026-01-18. Review status: criteria provided, single submitter. Criteria: Invitae Variant Classification Sherloc (09022015). Collection method: clinical testing. Allele origin: germline.

Mayo Clinic Laboratories, Mayo Clinic
Classification: Likely benign. Last evaluated: 2024-12-06. Review status: criteria provided, single submitter. Criteria: ACMG Guidelines, 2015. Collection method: clinical testing. Allele origin: germline. Observed: 2 variant alleles.
Comment: BS1, BP4_moderate

Blueprint Genetics
Classification: Likely benign. Last evaluated: 2024-10-24. Review status: criteria provided, single submitter. Criteria: ACMG Guidelines, 2015. Collection method: clinical testing. Allele origin: germline.

CeGaT Center for Human Genetics Tuebingen
Classification: Likely benign. Last evaluated: 2023-05-01. Review status: criteria provided, single submitter. Criteria: CeGaT Center For Human Genetics Tuebingen Variant Classification Criteria Version 2. Collection method: clinical testing. Allele origin: germline. Affected: yes. Observed: 4 variant alleles.
Comment: CSF1R: BP4

PreventionGenetics, part of Exact Sciences
Classification: Likely benign for CSF1R-related condition. Last evaluated: 2022-03-28. Review status: no assertion criteria provided. Collection method: clinical testing. Allele origin: germline. Not counted in ClinVar's aggregate classification.
Comment: This variant is classified as likely benign based on ACMG/AMP sequence variant interpretation guidelines (Richards et al. 2015 PMID: 25741868, with internal and published modifications).

Clinical Genetics DNA and cytogenetics Diagnostics Lab, Erasmus MC, Erasmus Medical Center
Classification: Likely benign. Review status: no assertion criteria provided. Collection method: clinical testing. Allele origin: germline. Affected: yes. Study: VKGL Data-share Consensus. Not counted in ClinVar's aggregate classification.

Genome Diagnostics Laboratory, Amsterdam University Medical Center
Classification: Likely benign. Review status: no assertion criteria provided. Collection method: clinical testing. Allele origin: germline. Affected: yes. Study: VKGL Data-share Consensus. Not counted in ClinVar's aggregate classification.